The following is an entry in ClinVar:

ClinVar aggregate classification (germline): Likely pathogenic (1 of 4 stars; one submission).

Conditions:
Yoon-Bellen neurodevelopmental syndrome (YOBELN). Identifiers: MedGen C5562066, MONDO:0859221, OMIM 619701.

Submission:

3billion
Classification: Likely pathogenic for Yoon-Bellen neurodevelopmental syndrome. Last evaluated: 2024-08-27. Review status: criteria provided, single submitter. Criteria: ACMG Guidelines, 2015. Collection method: clinical testing. Allele origin: germline. Affected: yes.
Comment: The variant is not observed in the gnomAD v4.0.0 dataset. Predicted Consequence/Location: Stop-gained (nonsense): predicted to result in a loss or disruption of normal protein function through nonsense-mediated decay (NMD) or protein truncation. Multiple pathogenic variants are reported downstream of the variant. Therefore, this variant is classified as Likely pathogenic according to the recommendation of ACMG/AMP guideline.

NM_018245.3(OGDHL):c.1135C>T (p.Gln379Ter)

Gene: OGDHL (oxoglutarate dehydrogenase L; minus strand). Cytogenetic location: 10q11.23.
Variant type: single nucleotide variant.
Coding change: c.1135C>T on transcript NM_018245.3 (MANE Select); coding-DNA position 1135, C replaced by T.
Protein change: p.Gln379Ter; replaces glutamine 379 with a stop codon.
Molecular consequence: nonsense. On other transcripts: non-coding transcript variant (5).
Genome position (GRCh38, 1-based): chr10:49,747,061, G>A on the plus strand (C>T on the coding strand, the complement: OGDHL is on the minus strand). VCF-style: chr10-49747061-G-A. GRCh37 (hg19) VCF-style: chr10-50955107-G-A.
Other names: c.964C>T, p.Gln322Ter (NM_001143996.2, NM_001347820.1); c.508C>T, p.Gln170Ter (NM_001143997.2, NM_001347821.2, NM_001347822.1 and 1 more transcripts); c.1135C>T, p.Gln379Ter (NM_001347819.1, NM_001347823.1, NM_001347824.2); c.118C>T, p.Gln40Ter (NM_001347826.1); short protein forms Q170*, Q322*, Q379*, Q40*.
Identifiers: ClinVar variation 4293918 (VCV004293918.1).